The following is an entry in ClinVar:

NM_182961.4(SYNE1):c.521C>G (p.Thr174Ser)

Gene: SYNE1 (spectrin repeat containing nuclear envelope protein 1; minus strand). Cytogenetic location: 6q25.2.
Variant type: single nucleotide variant.
Coding change: c.521C>G on transcript NM_182961.4 (MANE Select); coding-DNA position 521, C replaced by G.
Protein change: p.Thr174Ser; replaces threonine 174 with serine.
Molecular consequence: missense variant.
Genome position (GRCh38, 1-based): chr6:152,510,253, G>C on the plus strand (C>G on the coding strand, the complement: SYNE1 is on the minus strand). VCF-style: chr6-152510253-G-C. GRCh37 (hg19) VCF-style: chr6-152831388-G-C.
Other names: c.542C>G, p.Thr181Ser (NM_033071.5); short protein forms T181S, T174S.
Identifiers: ClinVar variation 1962843 (VCV001962843.6), dbSNP rs1008063944, ClinGen allele CA366150502.
Genomic context (GRCh38, chr6:152,510,253, plus strand): 5'-TTGCCAGCTGTGTACTGAACCCACTTTAATAAAGCCTTCTTAGCATTTCCTTGGATCTTG[G>C]TGGTCACCTTCCGTTTACTTGGTGGGCTGGGAGTCTCAGAGCTAACTATGCTGTCCACGG-3'
Protein context (NP_892006.3, residues 164-184): PSPPSKRKVT[Thr174Ser]KIQGNAKKAL

ClinVar aggregate classification (germline): Uncertain significance. Review status: criteria provided, multiple submitters, no conflicts (2 of 4 stars). 2 submissions from 2 submitters: Uncertain significance (2). Last evaluated 2024-10-28.

Conditions:
Emery-Dreifuss muscular dystrophy 4, autosomal dominant (EDMD4). Also called: EMERY-DREIFUSS MUSCULAR DYSTROPHY 4 WITH VARIABLE FEATURES. Identifiers: Orphanet 261, MedGen C2751807, MONDO:0013071, OMIM 612998.
Autosomal recessive ataxia, Beauce type. Also called: SYNE1 Deficiency; Spinocerebellar ataxia, autosomal recessive 8; ATAXIA, RECESSIVE, OF BEAUCE; SYNE1-Related Autosomal Recessive Cerebellar Ataxia. Identifiers: Orphanet 88644, MedGen C1853116, MONDO:0012549, OMIM 610743.

Allele frequency attached by ClinVar (database versions not stated): gnomAD 0.00001.
gnomAD v4.1: 1 of 1,613,876 alleles (0.000062%); highest among the groups gnomAD compares: Admixed American, 0.0017%; no homozygotes.

Submissions (2):

Revvity Omics, Revvity
Classification: Uncertain significance. Last evaluated: 2024-10-28. Review status: criteria provided, single submitter. Criteria: ACMG Guidelines, 2015. Collection method: clinical testing. Allele origin: germline.

Labcorp Genetics (formerly Invitae), Labcorp
Classification: Uncertain significance for Emery-Dreifuss muscular dystrophy 4, autosomal dominant; Autosomal recessive ataxia, Beauce type. Last evaluated: 2022-06-24. Review status: criteria provided, single submitter. Criteria: Invitae Variant Classification Sherloc (09022015). Collection method: clinical testing. Allele origin: germline.
Comment: In summary, the available evidence is currently insufficient to determine the role of this variant in disease. Therefore, it has been classified as a Variant of Uncertain Significance. Algorithms developed to predict the effect of missense changes on protein structure and function (SIFT, PolyPhen-2, Align-GVGD) all suggest that this variant is likely to be tolerated. This variant has not been reported in the literature in individuals affected with SYNE1-related conditions. This variant is not present in population databases (gnomAD no frequency). This sequence change replaces threonine, which is neutral and polar, with serine, which is neutral and polar, at codon 181 of the SYNE1 protein (p.Thr181Ser).